The following is an entry in ClinVar:

NM_015937.6(PIGT):c.41T>G (p.Leu14Arg)

Gene: PIGT (phosphatidylinositol glycan anchor biosynthesis class T; plus strand). Cytogenetic location: 20q13.12.
Variant type: single nucleotide variant.
Coding change: c.41T>G on transcript NM_015937.6 (MANE Select); coding-DNA position 41, T replaced by G.
Protein change: p.Leu14Arg; replaces leucine 14 with arginine.
Molecular consequence: missense variant. On other transcripts: non-coding transcript variant (5).
Genome position (GRCh38, 1-based): chr20:45,416,197, T>G. VCF-style: chr20-45416197-T-G. GRCh37 (hg19) VCF-style: chr20-44044837-T-G.
Other names: c.41T>G, p.Leu14Arg (NM_001184728.3, NM_001184729.3, NM_001184730.3); short protein forms L14R.
Identifiers: ClinVar variation 2573976 (VCV002573976.1), dbSNP rs2515512218, ClinGen allele CA409165707.
Genomic context (GRCh38, chr20:45,416,197, plus strand): 5'-AGGCGGAAGTAGCCGCAGGCATGGCGGCGGCTATGCCGCTTGCTCTGCTCGTCCTGTTGC[T>G]CCTGGGGCCCGGCGGCTGGTGCCTTGCAGAACCCCCACGCGACAGCCTGCGGGAGGAACT-3'
Protein context (NP_057021.2, residues 4-24): AMPLALLVLL[Leu14Arg]LGPGGWCLAE

ClinVar aggregate classification (germline): Uncertain significance (1 of 4 stars; one submission).

Allele frequency attached by ClinVar (database versions not stated): gnomAD exomes below 0.00001.

Submission:

GeneDx
Classification: Uncertain significance. Last evaluated: 2023-01-19. Review status: criteria provided, single submitter. Criteria: GeneDx Variant Classification Process June 2021. Collection method: clinical testing. Allele origin: germline. Affected: yes.
Comment: Not observed at significant frequency in large population cohorts (gnomAD); In silico analysis supports that this missense variant does not alter protein structure/function; Has not been previously published as pathogenic or benign to our knowledge